The following is an entry in ClinVar:

NM_014283.5(SUCO):c.379A>G (p.Ser127Gly)

Gene: SUCO (SUN domain containing ossification factor; plus strand). Cytogenetic location: 1q24.3.
Variant type: single nucleotide variant.
Coding change: c.379A>G on transcript NM_014283.5 (MANE Select); coding-DNA position 379, A replaced by G.
Protein change: p.Ser127Gly; replaces serine 127 with glycine.
Molecular consequence: missense variant. On other transcripts: 5 prime UTR variant (1).
Genome position (GRCh38, 1-based): chr1:172,555,959, A>G. VCF-style: chr1-172555959-A-G. GRCh37 (hg19) VCF-style: chr1-172525099-A-G.
Other names: c.268A>G, p.Ser90Gly (NM_001282750.2); c.-1151A>G (NM_001282751.2); c.853A>G, p.Ser285Gly (NM_016227.4); short protein forms S285G, S127G, S90G.
Identifiers: ClinVar variation 2796549 (VCV002796549.3), dbSNP rs1343437586, ClinGen allele CA343736923.
Genomic context (GRCh38, chr1:172,555,959, plus strand): 5'-GTGGTGGAGACACTCCCTACAGTTGATTTGCATGAAGAGTCTTCCAATGCAGTTGTGGAC[A>G]GTGAAACTGTTGAAAATATTTCCAGCTCATCTACCTCAGAAATCACTCCAATCTCAAAGC-3'
Protein context (NP_055098.1, residues 117-137): HEESSNAVVD[Ser127Gly]ETVENISSSS

ClinVar aggregate classification (germline): Uncertain significance (1 of 4 stars; one submission).

Allele frequency attached by ClinVar (database versions not stated): gnomAD exomes below 0.00001; TOPMed 0.00002; gnomAD 0.00001.
gnomAD v4.1: 4 of 1,613,522 alleles (0.00025%); highest among the groups gnomAD compares: Non-Finnish European, 0.00034%; no homozygotes.

Submission:

Labcorp Genetics (formerly Invitae), Labcorp
Classification: Uncertain significance. Last evaluated: 2026-01-28. Review status: criteria provided, single submitter. Criteria: Invitae Variant Classification Sherloc (09022015). Collection method: clinical testing. Allele origin: germline.
Comment: This sequence change replaces serine, which is neutral and polar, with glycine, which is neutral and non-polar, at codon 127 of the SUCO protein (p.Ser127Gly). This variant is not present in population databases (gnomAD no frequency). This variant has not been reported in the literature in individuals affected with SUCO-related conditions. ClinVar contains an entry for this variant (Variation ID: 2796549). An algorithm developed to predict the effect of missense changes on protein structure and function (PolyPhen-2) suggests that this variant is likely to be tolerated. In summary, the available evidence is currently insufficient to determine the role of this variant in disease. Therefore, it has been classified as a Variant of Uncertain Significance.